The following is an entry in ClinVar:

NM_201384.3(PLEC):c.5192dup (p.Leu1732fs)

Gene: PLEC (plectin; minus strand). Cytogenetic location: 8q24.3.
Variant type: Duplication.
Coding change: c.5192dup on transcript NM_201384.3 (MANE Select); coding-DNA position 5192, one base duplicated (T; older notation c.5192dupT).
Protein change: p.Leu1732fs; shifts the reading frame from leucine 1732.
Molecular consequence: frameshift variant.
Genome position (GRCh38, 1-based): chr8:143,924,737, A duplicated on the plus strand (T on the coding strand, the reverse complement: PLEC is on the minus strand). VCF-style (leftmost placement, unchanged base first): chr8-143924736-C-CA. GRCh37 (hg19) VCF-style: chr8-144998904-C-CA.
Other names: c.5273dup, p.Leu1759fs (NM_000445.5); c.5150dup, p.Leu1718fs (NM_201378.4); c.5126dup, p.Leu1710fs (NM_201379.3); c.5603dup, p.Leu1869fs (NM_201380.4); c.5096dup, p.Leu1700fs (NM_201381.3); c.5192dup, p.Leu1732fs (NM_201382.4); c.5204dup, p.Leu1736fs (NM_201383.3); short protein forms L1700fs, L1736fs, L1759fs, L1869fs, L1718fs, L1710fs, L1732fs.
Identifiers: ClinVar variation 2134747 (VCV002134747.4), dbSNP rs2537955176, ClinGen allele CA2580078661.

ClinVar aggregate classification (germline): Pathogenic (1 of 4 stars; one submission).

Conditions:
Epidermolysis bullosa simplex with nail dystrophy (EBS5D). Identifiers: MedGen C4225309, MONDO:0014661, OMIM 616487.
Epidermolysis bullosa simplex 5C, with pyloric atresia (EBS5C). Also called: Epidermolysis bullosa simplex with pyloric atresia; PLEC-Related Epidermolysis Bullosa with Pyloric Atresia; PLEC1-Related Epidermolysis Bullosa with Pyloric Atresia. Identifiers: Orphanet 158684, MedGen C2677349, MONDO:0012807, OMIM 612138.
Autosomal recessive limb-girdle muscular dystrophy type 2Q (LGMDR17). Also called: MUSCULAR DYSTROPHY, LIMB-GIRDLE, AUTOSOMAL RECESSIVE 17. Identifiers: Orphanet 254361, MedGen C3150989, MONDO:0013390, OMIM 613723.
Epidermolysis bullosa simplex 5B, with muscular dystrophy (EBS5B). Also called: Epidermolysis bullosa simplex with muscular dystrophy; EPIDERMOLYSIS BULLOSA SIMPLEX AND LIMB-GIRDLE MUSCULAR DYSTROPHY. Identifiers: Orphanet 257, MedGen C2931072, MONDO:0009181, OMIM 226670.
Epidermolysis bullosa simplex, Ogna type (EBS5A). Also called: Pidermolysis bullosa simplex 5A, Ogna type; EPIDERMOLYSIS BULLOSA SIMPLEX 5A, OGNA TYPE. Identifiers: Orphanet 79401, MedGen C0432317, MONDO:0007555, OMIM 131950.

Submission:

Labcorp Genetics (formerly Invitae), Labcorp
Classification: Pathogenic for Autosomal recessive limb-girdle muscular dystrophy type 2Q; Epidermolysis bullosa simplex, Ogna type; Epidermolysis bullosa simplex with nail dystrophy; Epidermolysis bullosa simplex 5C, with pyloric atresia; Epidermolysis bullosa simplex 5B, with muscular dystrophy. Last evaluated: 2022-05-06. Review status: criteria provided, single submitter. Criteria: Invitae Variant Classification Sherloc (09022015). Collection method: clinical testing. Allele origin: germline.
Comment: For these reasons, this variant has been classified as Pathogenic. This variant has not been reported in the literature in individuals affected with PLEC-related conditions. This variant is not present in population databases (gnomAD no frequency). This sequence change creates a premature translational stop signal (p.Leu1759Alafs*11) in the PLEC gene. It is expected to result in an absent or disrupted protein product. Loss-of-function variants in PLEC are known to be pathogenic (PMID: 20301336, 20447487, 21109228, 23289980, 28824526).

Literature cited by the submitters: PubMed 20301336; PubMed 20447487; PubMed 21109228; PubMed 23289980; PubMed 28824526.